The following is an entry in ClinVar:

ClinVar aggregate classification (germline): Pathogenic. Review status: criteria provided, multiple submitters, no conflicts (2 of 4 stars). 2 submissions from 2 submitters: Pathogenic (2). Last evaluated 2025-04-15.

Conditions:
Dominant beta-thalassemia. Also called: Beta-thalassemia, dominant inclusion body type. Identifiers: Orphanet 231226, Orphanet 848, MedGen C1858990, MONDO:0011381, OMIM 603902.

Allele frequency attached by ClinVar (database versions not stated): ExAC 0.00001; gnomAD 0.00001; 1000 Genomes Project 30x 0.00016; 1000 Genomes Project 0.00020.
gnomAD v4.1: 1 of 1,613,864 alleles (0.000062%); highest among the groups gnomAD compares: Admixed American, 0.0017%; no homozygotes.

Submissions (2):

Women's Health and Genetics/Laboratory Corporation of America, LabCorp
Classification: Pathogenic for Dominant beta-thalassemia. Last evaluated: 2025-04-15. Review status: criteria provided, single submitter. Criteria: LabCorp Variant Classification Summary - May 2015. Collection method: clinical testing. Allele origin: germline.
Comment: Variant summary: HBB c.382C>T (p.Gln128X, also reported as p.Glu127X) is located in exon 3 of the HBB gene. The variant results in a premature termination codon that is not expected to cause nonsense mediated decay (NMD), but is predicted to cause a C-terminal truncation, removing a part of the 147 amino acid long protein. At least one other truncation downstream of this position has been classified as pathogenic for dominant B-THAL by our laboratory. The variant allele was found at a frequency of 4e-06 in 251276 control chromosomes (gnomAD). c.382C>T has been reported in the literature in multiple individuals affected with considerable variation in phenotype (even within the same family), ranging from mild, clinically asymptomatic anemia to severe hemolytic anemia with splenomegaly (e.g. Hall_1991, Van Weel_1999, Prehu_2005), where occasionally the presence of Heinz bodies was also noted. These data indicate that the variant is likely associated with disease. A publication reported experimental evidence and demonstrated that substantial amounts of mutant beta-mRNA were present in individuals carrying the variant, thus demonstrating that the variant does not result in nonsense mediated decay (NMD), suggesting that a truncated protein product can be produced, which might also explain the presence of the occasionally reported Heinz bodies (Hall_1994). The following publications have been ascertained in the context of this evaluation (PMID: 16114188, 9450794, 8161774, 10569730, 1958498). ClinVar contains an entry for this variant (Variation ID: 1705074). Based on the evidence outlined above, the variant was classified as pathogenic.

Quest Diagnostics Nichols Institute San Juan Capistrano
Classification: Pathogenic. Last evaluated: 2023-06-14. Review status: criteria provided, single submitter. Criteria: Quest Diagnostics criteria. Collection method: clinical testing. Allele origin: unknown.
Comment: The HBB c.382C>T (p.Gln128*) variant creates a premature stop codon in the last exon of the beta-globin gene. An RNA study indicates the mutant mRNA transcript is not degraded by nonsense-mediated decay, and is predicted to result in the production of a truncated protein lacking the terminal 20 amino acids of the beta-globin chain (PMID: 8161774 (1994)). This variant is associated with dominant beta-thalassemia in which heterozygous carriers present with varying phenotype, ranging from clinically asymptomatic anemia to thalassemia intermedia (PMIDs: 9450794 (1998), 8161774 (1994), 1958498 (1991)). In addition, this variant has been reported as a de novo variant in a heterozygous individual with microcytic hypochromic hemolytic anemia and splenomegaly (PMID: 10569730 (1999)). Previous names for this variant include Codon 127 C>T. Based on the available information, this variant is classified as pathogenic.

Literature cited by the submitters: PubMed 16114188 (cited by Women's Health and Genetics/Laboratory Corporation of America, LabCorp and Quest Diagnostics Nichols Institute San Juan Capistrano); PubMed 1958498 (cited by Women's Health and Genetics/Laboratory Corporation of America, LabCorp and Quest Diagnostics Nichols Institute San Juan Capistrano); PubMed 9450794 (cited by Women's Health and Genetics/Laboratory Corporation of America, LabCorp and Quest Diagnostics Nichols Institute San Juan Capistrano); PubMed 8161774 (cited by Women's Health and Genetics/Laboratory Corporation of America, LabCorp and Quest Diagnostics Nichols Institute San Juan Capistrano); PubMed 10569730 (cited by Women's Health and Genetics/Laboratory Corporation of America, LabCorp and Quest Diagnostics Nichols Institute San Juan Capistrano).

NM_000518.5(HBB):c.382C>T (p.Gln128Ter)

Genes: HBB (hemoglobin subunit beta; minus strand), LOC107133510 (origin of replication at HBB; plus strand), LOC110006319 (beta-globin gene 3' regulatory region; plus strand). Cytogenetic location: 11p15.4.
Variant type: single nucleotide variant.
Coding change: c.382C>T on transcript NM_000518.5 (MANE Select); coding-DNA position 382, C replaced by T.
Protein change: p.Gln128Ter; replaces glutamine 128 with a stop codon.
Molecular consequence: nonsense.
Genome position (GRCh38, 1-based): chr11:5,225,660, G>A on the plus strand (C>T on the coding strand, the complement: HBB is on the minus strand). VCF-style: chr11-5225660-G-A. GRCh37 (hg19) VCF-style: chr11-5246890-G-A.
Other names: short protein forms Q128*.
Identifiers: ClinVar variation 1705074 (VCV001705074.4), dbSNP rs33971634, ClinGen allele CA5839696.